The following is an entry in ClinVar:

ClinVar aggregate classification (germline): Uncertain significance. Review status: criteria provided, single submitter (1 of 4 stars). 2 submissions from 2 submitters: Uncertain significance (1). 1 of the submissions does not count toward it. Last evaluated 2025-07-13.

Allele frequency attached by ClinVar (database versions not stated): gnomAD 0.00001.
gnomAD v4.1: 1 of 1,611,978 alleles (0.000062%); highest among the groups gnomAD compares: Non-Finnish European, 0.000085%; no homozygotes.

Submissions (2):

Labcorp Genetics (formerly Invitae), Labcorp
Classification: Uncertain significance. Last evaluated: 2025-07-13. Review status: criteria provided, single submitter. Criteria: Invitae Variant Classification Sherloc (09022015). Collection method: clinical testing. Allele origin: germline.
Comment: This sequence change replaces glycine, which is neutral and non-polar, with aspartic acid, which is acidic and polar, at codon 480 of the NTRK2 protein (p.Gly480Asp). This variant is not present in population databases (gnomAD no frequency). This variant has not been reported in the literature in individuals affected with NTRK2-related conditions. ClinVar contains an entry for this variant (Variation ID: 1049884). Invitae Evidence Modeling of protein sequence and biophysical properties (such as structural, functional, and spatial information, amino acid conservation, physicochemical variation, residue mobility, and thermodynamic stability) indicates that this missense variant is not expected to disrupt NTRK2 protein function with a negative predictive value of 80%. In summary, the available evidence is currently insufficient to determine the role of this variant in disease. Therefore, it has been classified as a Variant of Uncertain Significance.

Department of Pathology and Laboratory Medicine, Sinai Health System
Classification: Uncertain significance. Review status: no assertion criteria provided. Collection method: clinical testing. Allele origin: unknown. Affected: yes. Study: The Canadian Open Genetics Repository (COGR). Not counted in ClinVar's aggregate classification.
Comment: The NTRK2 p.Gly480Asp variant was not identified in the literature nor was it identified in dbSNP, ClinVar, Cosmic, LOVD 3.0 or in the following control databases: the 1000 Genomes Project, the NHLBI GO Exome Sequencing Project, the Exome Aggregation Consortium (August 8th 2016), or the Genome Aggregation Database (Feb 27, 2017). The p.Gly480 residue is not conserved in mammals and computational analyses (PolyPhen-2, SIFT, AlignGVGD, BLOSUM, MutationTaster) provide inconsistent predictions regarding the impact to the protein; this information is not very predictive of pathogenicity. The variant occurs outside of the splicing consensus sequence and three of four in silico or computational prediction software programs (SpliceSiteFinder, NNSPLICE, GeneSplicer) do not predict a difference in splicing. In summary, based on the above information the clinical significance of this variant cannot be determined with certainty at this time. This variant is classified as a variant of uncertain significance.

NM_006180.6(NTRK2):c.1439G>A (p.Gly480Asp)

Gene: NTRK2 (neurotrophic receptor tyrosine kinase 2; plus strand). Cytogenetic location: 9q21.33.
Variant type: single nucleotide variant.
Coding change: c.1439G>A on transcript NM_006180.6 (MANE Select); coding-DNA position 1439, G replaced by A.
Protein change: p.Gly480Asp; replaces glycine 480 with aspartic acid.
Molecular consequence: missense variant. On other transcripts: intron variant (7).
Genome position (GRCh38, 1-based): chr9:84,861,082, G>A. VCF-style: chr9-84861082-G-A. GRCh37 (hg19) VCF-style: chr9-87475997-G-A.
Other names: c.1439G>A, p.Gly480Asp (NM_001018065.2, NM_001369537.1); c.971G>A, p.Gly324Asp (NM_001369536.1); c.1397-6161G>A (NM_001369532.1, NM_001369533.1, NM_001018066.3 and 2 more transcripts); c.1361-6161G>A (NM_001369534.1); c.929-6161G>A (NM_001369535.1); short protein forms G324D, G480D.
Identifiers: ClinVar variation 1049884 (VCV001049884.4), dbSNP rs2075316738, ClinGen allele CA374010534.
Genomic context (GRCh38, chr9:84,861,082, plus strand): 5'-TTTTGTTGTGGTTTTCAGATTTCTCATGGTTTGGATTTGGGAAAGTAAAATCAAGACAAG[G>A]TGTTGGTAAGTAGTTAACTCACTCCTTCTTTGGATAAGTAATGAGTCTATGTTTTTATTC-3'
Protein context (NP_006171.2, residues 470-490): FGFGKVKSRQ[Gly480Asp]VGPASVISND